The following is an entry in ClinVar:

ClinVar aggregate classification (germline): Uncertain significance (1 of 4 stars; one submission).

Conditions:
Developmental and epileptic encephalopathy, 31A. Also called: Epileptic encephalopathy, early infantile, 31; Developmental and epileptic encephalopathy, 31. Identifiers: Orphanet 2382, MedGen C4225357, MONDO:0014598, OMIM 616346.

Submission:

Labcorp Genetics (formerly Invitae), Labcorp
Classification: Uncertain significance for Developmental and epileptic encephalopathy, 31A. Last evaluated: 2023-04-15. Review status: criteria provided, single submitter. Criteria: Invitae Variant Classification Sherloc (09022015). Collection method: clinical testing. Allele origin: germline.
Comment: In summary, the available evidence is currently insufficient to determine the role of this variant in disease. Therefore, it has been classified as a Variant of Uncertain Significance. Advanced modeling of protein sequence and biophysical properties (such as structural, functional, and spatial information, amino acid conservation, physicochemical variation, residue mobility, and thermodynamic stability) performed at Invitae indicates that this missense variant is not expected to disrupt DNM1 protein function. ClinVar contains an entry for this variant (Variation ID: 1387153). This variant has not been reported in the literature in individuals affected with DNM1-related conditions. This variant is not present in population databases (gnomAD no frequency). This sequence change replaces methionine, which is neutral and non-polar, with leucine, which is neutral and non-polar, at codon 564 of the DNM1 protein (p.Met564Leu).

NM_004408.4(DNM1):c.1690A>T (p.Met564Leu)

Gene: DNM1 (dynamin 1; plus strand). Cytogenetic location: 9q34.11.
Variant type: single nucleotide variant.
Coding change: c.1690A>T on transcript NM_004408.4 (MANE Select); coding-DNA position 1690, A replaced by T.
Protein change: p.Met564Leu; replaces methionine 564 with leucine.
Molecular consequence: missense variant.
Genome position (GRCh38, 1-based): chr9:128,246,412, A>T. VCF-style: chr9-128246412-A-T. GRCh37 (hg19) VCF-style: chr9-131008691-A-T.
Other names: c.1690A>T, p.Met564Leu (NM_001005336.3, NM_001288737.2, NM_001288738.2 and 2 more transcripts); short protein forms M564L.
Identifiers: ClinVar variation 1387153 (VCV001387153.8), dbSNP rs2131283540, ClinGen allele CA375026846.